The following is an entry in ClinVar:

NM_017633.3(TENT5A):c.131_132insCGGCGACTTCCGCGG (p.Gly45_Gly46insAspPheArgGlyGly)

Gene: TENT5A (terminal nucleotidyltransferase 5A; minus strand). Cytogenetic location: 6q14.1.
Variant type: Insertion.
Coding change: c.131_132insCGGCGACTTCCGCGG on transcript NM_017633.3 (MANE Select); coding-DNA positions 131 to 132, CGGCGACTTCCGCGG inserted.
Protein change: p.Gly45_Gly46insAspPheArgGlyGly.
Molecular consequence: inframe insertion.
Genome position: GRCh38 VCF-style: chr6-81752010-A-ACCGCGGAAGTCGCCG. GRCh37 (hg19) VCF-style: chr6-82461727-A-ACCGCGGAAGTCGCCG.
Identifiers: ClinVar variation 2074561 (VCV002074561.1), dbSNP rs1554200535, ClinGen allele CA917792284.
Genomic context (GRCh38, chr6:81,752,010, plus strand): 5'-ATTGCAGTGCGCCGTAGGGCTTTCGCAATAGTCCAAGCAATGCCCACCGAAGCTGCCGCC[A>ACCGCGGAAGTCGCCG]CCGCCGAAGTCGCCGCCGCCGAAGTCGCCGCCGCCGAAGTCGCCGCCGCCGAAGTCGCCG-3'

ClinVar aggregate classification (germline): Uncertain significance (1 of 4 stars; one submission).

Submission:

Labcorp Genetics (formerly Invitae), Labcorp
Classification: Uncertain significance. Last evaluated: 2022-10-18. Review status: criteria provided, single submitter. Criteria: Invitae Variant Classification Sherloc (09022015). Collection method: clinical testing. Allele origin: germline.
Comment: This variant, c.131_132insCGGCGACTTCCGCGG, results in the insertion of 5 amino acid(s) of the FAM46A protein (p.Gly45_Gly46insAspPheArgGlyGly), but otherwise preserves the integrity of the reading frame. This variant is not present in population databases (gnomAD no frequency). This variant has not been reported in the literature in individuals affected with FAM46A-related conditions. Experimental studies and prediction algorithms are not available or were not evaluated, and the functional significance of this variant is currently unknown. In summary, the available evidence is currently insufficient to determine the role of this variant in disease. Therefore, it has been classified as a Variant of Uncertain Significance.